The following is an entry in ClinVar:

ClinVar aggregate classification (germline): Uncertain significance. Review status: criteria provided, multiple submitters, no conflicts (2 of 4 stars). 2 submissions from 2 submitters: Uncertain significance (2). Last evaluated 2025-11-17.

Conditions:
Fanconi anemia (FA). Also called: Fanconi's anemia. Identifiers: Orphanet 84, MedGen C0015625, MeSH D005199, MONDO:0019391.
Inborn genetic diseases. Identifiers: MedGen C0950123, MeSH D030342.

Allele frequency attached by ClinVar (database versions not stated): gnomAD 0.00001; gnomAD exomes 0.00001 and 0.00008; TOPMed 0.00002.
gnomAD v4.1: 112 of 1,613,160 alleles (0.0069%); highest among the groups gnomAD compares: Non-Finnish European, 0.0093%; no homozygotes.

Submissions (2):

Ambry Genetics
Classification: Uncertain significance for Inborn genetic diseases. Last evaluated: 2025-11-17. Review status: criteria provided, single submitter. Criteria: Ambry Variant Classification Scheme 2023. Collection method: clinical testing. Allele origin: germline.

Labcorp Genetics (formerly Invitae), Labcorp
Classification: Uncertain significance for Fanconi anemia. Last evaluated: 2024-10-07. Review status: criteria provided, single submitter. Criteria: Invitae Variant Classification Sherloc (09022015). Collection method: clinical testing. Allele origin: germline.
Comment: This sequence change replaces glutamine, which is neutral and polar, with arginine, which is basic and polar, at codon 1627 of the SLX4 protein (p.Gln1627Arg). This variant is present in population databases (no rsID available, gnomAD 0.002%). This variant has not been reported in the literature in individuals affected with SLX4-related conditions. ClinVar contains an entry for this variant (Variation ID: 1510229). An algorithm developed to predict the effect of missense changes on protein structure and function (PolyPhen-2) suggests that this variant is likely to be tolerated. In summary, the available evidence is currently insufficient to determine the role of this variant in disease. Therefore, it has been classified as a Variant of Uncertain Significance.

NM_032444.4(SLX4):c.4880A>G (p.Gln1627Arg)

Gene: SLX4 (SLX4 structure-specific endonuclease subunit; minus strand). Cytogenetic location: 16p13.3.
Variant type: single nucleotide variant.
Coding change: c.4880A>G on transcript NM_032444.4 (MANE Select); coding-DNA position 4880, A replaced by G.
Protein change: p.Gln1627Arg; replaces glutamine 1627 with arginine.
Molecular consequence: missense variant.
Genome position (GRCh38, 1-based): chr16:3,583,370, T>C on the plus strand (A>G on the coding strand, the complement: SLX4 is on the minus strand). VCF-style: chr16-3583370-T-C. GRCh37 (hg19) VCF-style: chr16-3633371-T-C.
Other names: c.4880A>G (NM_032444.2); short protein forms Q1627R.
Identifiers: ClinVar variation 1510229 (VCV001510229.7), dbSNP rs1346015743, ClinGen allele CA394515186.
Genomic context (GRCh38, chr16:3,583,370, plus strand): 5'-GCCTCCTGCTGGGCATGGACCCCTGCCCTTGAAGGCTTGTAGGTCTGGGAGGCGAGGGTC[T>C]GGCAGTGAGGCGCCTGCAACAGCGGCTGTGAGGACTGGCTCTCGTCCTCGGAGTCTGAGT-3'
Protein context (NP_115820.2, residues 1617-1637): SQPLLQAPHC[Gln1627Arg]TLASQTYKPS